The following is an entry in ClinVar:

NM_004237.4(TRIP13):c.1136A>G (p.Lys379Arg)

Gene: TRIP13 (thyroid hormone receptor interactor 13; plus strand). Cytogenetic location: 5p15.33.
Variant type: single nucleotide variant.
Coding change: c.1136A>G on transcript NM_004237.4 (MANE Select); coding-DNA position 1136, A replaced by G.
Protein change: p.Lys379Arg; replaces lysine 379 with arginine.
Molecular consequence: missense variant.
Genome position (GRCh38, 1-based): chr5:915,906, A>G. VCF-style: chr5-915906-A-G. GRCh37 (hg19) VCF-style: chr5-916021-A-G.
Other names: short protein forms K379R.
Identifiers: ClinVar variation 2636088 (VCV002636088.4), dbSNP rs777202257, ClinGen allele CA3180101.

ClinVar aggregate classification (germline): Uncertain significance. Review status: criteria provided, multiple submitters, no conflicts (2 of 4 stars). 3 submissions from 3 submitters: Uncertain significance (3). Last evaluated 2025-09-27.

Conditions:
TRIP13-related disorder. Also called: TRIP13-related condition.

Allele frequency attached by ClinVar (database versions not stated): ExAC 0.00002; gnomAD 0.00004; TOPMed 0.00004; gnomAD exomes 0.00010.
gnomAD v4.1: 157 of 1,614,012 alleles (0.0097%); highest among the groups gnomAD compares: Non-Finnish European, 0.013%; no homozygotes.

Submissions (3):

Labcorp Genetics (formerly Invitae), Labcorp
Classification: Uncertain significance. Last evaluated: 2025-09-27. Review status: criteria provided, single submitter. Criteria: Invitae Variant Classification Sherloc (09022015). Collection method: clinical testing. Allele origin: germline.
Comment: This sequence change replaces lysine, which is basic and polar, with arginine, which is basic and polar, at codon 379 of the TRIP13 protein (p.Lys379Arg). This variant is present in population databases (rs777202257, gnomAD 0.009%). This variant has not been reported in the literature in individuals affected with TRIP13-related conditions. ClinVar contains an entry for this variant (Variation ID: 2636088). An algorithm developed to predict the effect of missense changes on protein structure and function (PolyPhen-2) suggests that this variant is likely to be tolerated. In summary, the available evidence is currently insufficient to determine the role of this variant in disease. Therefore, it has been classified as a Variant of Uncertain Significance.

Ambry Genetics
Classification: Uncertain significance. Last evaluated: 2024-04-09. Review status: criteria provided, single submitter. Criteria: Ambry Variant Classification Scheme 2023. Collection method: clinical testing. Allele origin: germline.

PreventionGenetics, part of Exact Sciences
Classification: Uncertain significance for TRIP13-related condition. Last evaluated: 2023-04-03. Review status: criteria provided, single submitter. Criteria: ACMG Guidelines, 2015. Collection method: clinical testing. Allele origin: germline.
Comment: The TRIP13 c.1136A>G variant is predicted to result in the amino acid substitution p.Lys379Arg. To our knowledge, this variant has not been reported in the literature. This variant is reported in 0.0085% of alleles in individuals of European (Non-Finnish) descent in gnomAD. At this time, the clinical significance of this variant is uncertain due to the absence of conclusive functional and genetic evidence.